The following is an entry in ClinVar:

ClinVar aggregate classification (germline): Uncertain significance. Review status: criteria provided, multiple submitters, no conflicts (2 of 4 stars). 3 submissions from 3 submitters: Uncertain significance (3). Last evaluated 2025-12-08.

Allele frequency attached by ClinVar (database versions not stated): ExAC 0.00040; TOPMed 0.00040; ESP Exome Variant Server 0.00046; gnomAD 0.00048 and 0.00053; gnomAD exomes 0.00066.
gnomAD v4.1: 1,036 of 1,611,358 alleles (0.064%); highest among the groups gnomAD compares: Non-Finnish European, 0.078%; no homozygotes.

Submissions (3):

Labcorp Genetics (formerly Invitae), Labcorp
Classification: Uncertain significance. Last evaluated: 2025-12-08. Review status: criteria provided, single submitter. Criteria: Invitae Variant Classification Sherloc (09022015). Collection method: clinical testing. Allele origin: germline.
Comment: This sequence change replaces proline, which is neutral and non-polar, with alanine, which is neutral and non-polar, at codon 364 of the EXOC3L2 protein (p.Pro364Ala). This variant is present in population databases (rs142412403, gnomAD 0.08%), and has an allele count higher than expected for a pathogenic variant. This variant has not been reported in the literature in individuals affected with EXOC3L2-related conditions. ClinVar contains an entry for this variant (Variation ID: 1425167). An algorithm developed to predict the effect of missense changes on protein structure and function (PolyPhen-2) suggests that this variant is likely to be tolerated. In summary, the available evidence is currently insufficient to determine the role of this variant in disease. Therefore, it has been classified as a Variant of Uncertain Significance.

Ambry Genetics
Classification: Uncertain significance. Last evaluated: 2024-02-27. Review status: criteria provided, single submitter. Criteria: Ambry Variant Classification Scheme 2023. Collection method: clinical testing. Allele origin: germline.

Breakthrough Genomics
Classification: Uncertain significance. Review status: criteria provided, single submitter. Criteria: ACMG Guidelines, 2015. Collection method: not provided. Allele origin: germline. Inheritance: Autosomal dominant inheritance. Affected: yes.

NM_001382422.1(EXOC3L2):c.2269C>G (p.Pro757Ala)

Genes: BLOC1S3 (biogenesis of lysosomal organelles complex 1 subunit 3; plus strand), EXOC3L2 (exocyst complex component 3 like 2; minus strand). Cytogenetic location: 19q13.32.
Variant type: single nucleotide variant.
Coding change: c.2269C>G on transcript NM_001382422.1 (MANE Select); coding-DNA position 2269, C replaced by G.
Protein change: p.Pro757Ala; replaces proline 757 with alanine.
Molecular consequence: missense variant.
Genome position (GRCh38, 1-based): chr19:45,213,209, G>C on the plus strand (C>G on the coding strand, the complement: EXOC3L2 is on the minus strand). VCF-style: chr19-45213209-G-C. GRCh37 (hg19) VCF-style: chr19-45716467-G-C.
Other names: NM_138568.3:c.1090C>G; short protein forms P757A.
Identifiers: ClinVar variation 1425167 (VCV001425167.8), dbSNP rs142412403, ClinGen allele CA9510364.